The following is an entry in ClinVar:

ClinVar aggregate classification (germline): Uncertain significance (1 of 4 stars; one submission).

Submission:

Labcorp Genetics (formerly Invitae), Labcorp
Classification: Uncertain significance. Last evaluated: 2025-03-23. Review status: criteria provided, single submitter. Criteria: Invitae Variant Classification Sherloc (09022015). Collection method: clinical testing. Allele origin: germline.
Comment: This variant, c.1491_1499del, results in the deletion of 3 amino acid(s) of the LSR protein (p.Asp498_Leu500del), but otherwise preserves the integrity of the reading frame. This variant is present in population databases (rs764120027, gnomAD 0.02%). This variant has not been reported in the literature in individuals affected with LSR-related conditions. Experimental studies and prediction algorithms are not available or were not evaluated, and the functional significance of this variant is currently unknown. In summary, the available evidence is currently insufficient to determine the role of this variant in disease. Therefore, it has been classified as a Variant of Uncertain Significance.

NM_205834.4(LSR):c.1347_1355del (p.Asp450_Leu452del)

Gene: LSR (lipolysis stimulated lipoprotein receptor; plus strand). Cytogenetic location: 19q13.12.
Variant type: Deletion.
Coding change: c.1347_1355del on transcript NM_205834.4 (MANE Select); coding-DNA positions 1347 to 1355, 9 bases deleted (GGACGACCT; older notation c.1347_1355delGGACGACCT).
Protein change: p.Asp450_Leu452del.
Genome position (GRCh38, 1-based): chr19:35,267,311-35,267,319, GGACGACCT deleted; deleting any 9 consecutive bases within chr19:35,267,308-35,267,319 gives the same sequence; the c. name uses the placement nearest the transcript's 3' end. VCF-style (leftmost placement, unchanged base first): chr19-35267307-CCCTGGACGA-C. GRCh37 (hg19) VCF-style: chr19-35758210-CCCTGGACGA-C.
Other names: c.1287_1295del, p.Asp430_Leu432del (NM_001260489.2); c.1023_1031del, p.Asp342_Leu344del (NM_001260490.2); c.1140_1148del, p.Asp381_Leu383del (NM_001385215.1); c.1290_1298del, p.Asp431_Leu433del (NM_015925.7); c.1143_1151del, p.Asp382_Leu384del (NM_205835.4).
Identifiers: ClinVar variation 4800014 (VCV004800014.1).
Genomic context (GRCh38, chr19:35,267,307, plus strand): 5'-CCAGGGAGCAGGCAGGCGGGGGCTGGCGGGCCAGGCGGCCCCGGGCCCGCTCCGTGGACG[CCCTGGACGA>C]CCTCACCCCGCCGAGCACCGCCGAGTCAGGGAGCAGGTCTCCCACGAGTAATGGTGGGAG-3'